The following is an entry in ClinVar:

ClinVar aggregate classification (germline): Conflicting classifications of pathogenicity. Review status: criteria provided, conflicting classifications (1 of 4 stars). 2 submissions from 2 submitters: Uncertain significance (1); Likely benign (1). Last evaluated 2024-02-12.

Conditions:
Inborn genetic diseases. Identifiers: MedGen C0950123, MeSH D030342.
Nance-Horan syndrome (NHS). Identifiers: Orphanet 627, MedGen C0796085, MONDO:0010545, OMIM 302350.

Allele frequency attached by ClinVar (database versions not stated): gnomAD exomes below 0.00001; TOPMed 0.00003.
gnomAD v4.1: 1 of 1,162,097 alleles (0.000086%); highest among the groups gnomAD compares: Admixed American, 0.0025%; no homozygotes.

Submissions (2):

Labcorp Genetics (formerly Invitae), Labcorp
Classification: Likely benign for Nance-Horan syndrome. Last evaluated: 2024-02-12. Review status: criteria provided, single submitter. Criteria: Invitae Variant Classification Sherloc (09022015). Collection method: clinical testing. Allele origin: germline.

Ambry Genetics
Classification: Uncertain significance for Inborn genetic diseases. Last evaluated: 2019-04-04. Review status: criteria provided, single submitter. Criteria: Ambry Variant Classification Scheme 2023. Collection method: clinical testing. Allele origin: germline.
Comment: The c.519C>T variant (also known as p.G173G), located in coding exon 1, results from a C to T substitution at nucleotide position 519 of the NHS gene. This nucleotide substitution does not change the amino acid at codon 173. This nucleotide position is not well conserved in available vertebrate species. Using two different splice site prediction tools, this alteration is predicted by ESEfinder to create a new alternate splice donor site, but BDGP does not predict the creation of a non-native acceptor/donor site, nor a deleterious effect on splicing. Using the Human Splicing Finder (HSF) splice site prediction tool, this alteration is predicted to create a new alternate splice donor site; however, direct evidence is unavailable (Desmet FO et al. Nucleic Acids Res. 2009 May;37:e67). Since supporting evidence is limited at this time, the clinical significance of this alteration remains unclear.

NM_001291867.2(NHS):c.519C>T (p.Gly173=)

Gene: NHS (NHS actin remodeling regulator; plus strand). Cytogenetic location: Xp22.2.
Variant type: single nucleotide variant.
Coding change: c.519C>T on transcript NM_001291867.2 (MANE Select); coding-DNA position 519, C replaced by T.
Protein change: p.Gly173=; no amino-acid change (glycine 173 retained).
Molecular consequence: synonymous variant.
Genome position (GRCh38, 1-based): chrX:17,376,276, C>T. VCF-style: chrX-17376276-C-T. GRCh37 (hg19) VCF-style: chrX-17394399-C-T.
Other names: c.519C>T, p.Gly173= (NM_198270.4).
Identifiers: ClinVar variation 1745974 (VCV001745974.4), dbSNP rs2064346850, ClinGen allele CA515584731.
Genomic context (GRCh38, chrX:17,376,276, plus strand): 5'-CGAGAGCGACATCCAGCTCACCCACCGCCGCGTCTGGGCGCTGCAGGGCAAGCTCGGCGG[C>T]GTGCAGCGCGTCCTCAGCACGCTTGACCCTAAGCAGGAGGCAGTGCGTGAGTACCCGCGC-3'
Protein context (NP_001278796.1, residues 163-183): RVWALQGKLG[Gly173=]VQRVLSTLDP